The following is an entry in ClinVar:

NM_005228.5(EGFR):c.754C>A (p.Arg252Ser)

Gene: EGFR (epidermal growth factor receptor; plus strand). Cytogenetic location: 7p11.2.
Variant type: single nucleotide variant.
Coding change: c.754C>A on transcript NM_005228.5 (MANE Select); coding-DNA position 754, C replaced by A.
Protein change: p.Arg252Ser; replaces arginine 252 with serine.
Molecular consequence: missense variant. On other transcripts: intron variant (1).
Genome position (GRCh38, 1-based): chr7:55,154,017, C>A. VCF-style: chr7-55154017-C-A. GRCh37 (hg19) VCF-style: chr7-55221710-C-A.
Other names: NC_000007.13:g.55221710C>A; c.619C>A, p.Arg207Ser (NM_001346897.2, NM_001346899.2); c.754C>A, p.Arg252Ser (NM_001346898.2, NM_201282.2, NM_201283.2 and 1 more transcripts); c.595C>A, p.Arg199Ser (NM_001346900.2); c.89-1813C>A (NM_001346941.2); short protein forms R199S, R207S, R252S.
Identifiers: ClinVar variation 4338436 (VCV004338436.2).

ClinVar aggregate classification (germline): Uncertain significance (1 of 4 stars; one submission).

Conditions:
EGFR-related lung cancer (EGFR). Identifiers: MedGen CN130014.

Submissions (2):

Labcorp Genetics (formerly Invitae), Labcorp
Classification: Uncertain significance for EGFR-related lung cancer. Last evaluated: 2025-03-09. Review status: criteria provided, single submitter. Criteria: Invitae Variant Classification Sherloc (09022015). Collection method: clinical testing. Allele origin: germline.
Comment: This sequence change replaces arginine, which is basic and polar, with serine, which is neutral and polar, at codon 252 of the EGFR protein (p.Arg252Ser). This variant is not present in population databases (gnomAD no frequency). This variant has not been reported in the literature in individuals affected with EGFR-related conditions. Invitae Evidence Modeling of protein sequence and biophysical properties (such as structural, functional, and spatial information, amino acid conservation, physicochemical variation, residue mobility, and thermodynamic stability) indicates that this missense variant is not expected to disrupt EGFR protein function with a negative predictive value of 80%. In summary, the available evidence is currently insufficient to determine the role of this variant in disease. Therefore, it has been classified as a Variant of Uncertain Significance.

Dr. Peter K. Rogan Lab, Western University
No classification provided (evidence only). Condition: Glioma susceptibility 1. Review status: no classification provided. Collection method: in vitro. Allele origin: not applicable. Functional consequence: retained intron. Not counted in ClinVar's aggregate classification.